The following is an entry in ClinVar:

NM_001130144.3(LTBP3):c.2330C>T (p.Ala777Val)

Genes: LTBP3 (latent transforming growth factor beta binding protein 3; minus strand), LOC130006029 (ATAC-STARR-seq lymphoblastoid silent region 3532; plus strand). Cytogenetic location: 11q13.1.
Variant type: single nucleotide variant.
Coding change: c.2330C>T on transcript NM_001130144.3 (MANE Select); coding-DNA position 2330, C replaced by T.
Protein change: p.Ala777Val; replaces alanine 777 with valine.
Molecular consequence: missense variant.
Genome position (GRCh38, 1-based): chr11:65,546,465, G>A on the plus strand (C>T on the coding strand, the complement: LTBP3 is on the minus strand). VCF-style: chr11-65546465-G-A. GRCh37 (hg19) VCF-style: chr11-65313936-G-A.
Other names: c.1979C>T, p.Ala660Val (NM_001164266.1); c.2330C>T, p.Ala777Val (NM_021070.4); short protein forms A777V, A660V.
Identifiers: ClinVar variation 2562658 (VCV002562658.4), dbSNP rs2496147505, ClinGen allele CA381269619.

ClinVar aggregate classification (germline): Uncertain significance. Review status: criteria provided, multiple submitters, no conflicts (2 of 4 stars). 2 submissions from 2 submitters: Uncertain significance (2). Last evaluated 2024-09-11.

Conditions:
Brachyolmia-amelogenesis imperfecta syndrome. Also called: PLATYSPONDYLY WITH AMELOGENESIS IMPERFECTA; Tooth agenesis, selective, 6; Dental anomalies and short stature. Identifiers: Orphanet 2899, MedGen C1832594, MONDO:0011018, OMIM 601216. Disease mechanism: loss of function.
Inborn genetic diseases. Identifiers: MedGen C0950123, MeSH D030342.

Allele frequency attached by ClinVar (database versions not stated): gnomAD exomes below 0.00001.

Submissions (2):

Labcorp Genetics (formerly Invitae), Labcorp
Classification: Uncertain significance for Brachyolmia-amelogenesis imperfecta syndrome. Last evaluated: 2024-09-11. Review status: criteria provided, single submitter. Criteria: Invitae Variant Classification Sherloc (09022015). Collection method: clinical testing. Allele origin: germline.
Comment: This sequence change replaces alanine, which is neutral and non-polar, with valine, which is neutral and non-polar, at codon 777 of the LTBP3 protein (p.Ala777Val). This variant is not present in population databases (gnomAD no frequency). This variant has not been reported in the literature in individuals affected with LTBP3-related conditions. ClinVar contains an entry for this variant (Variation ID: 2562658). An algorithm developed to predict the effect of missense changes on protein structure and function (PolyPhen-2) suggests that this variant is likely to be disruptive. In summary, the available evidence is currently insufficient to determine the role of this variant in disease. Therefore, it has been classified as a Variant of Uncertain Significance.

Ambry Genetics
Classification: Uncertain significance for Inborn genetic diseases. Last evaluated: 2023-04-22. Review status: criteria provided, single submitter. Criteria: Ambry Variant Classification Scheme 2023. Collection method: clinical testing. Allele origin: germline.
Comment: The p.A777V variant (also known as c.2330C>T), located in coding exon 16 of the LTBP3 gene, results from a C to T substitution at nucleotide position 2330. The alanine at codon 777 is replaced by valine, an amino acid with similar properties. This amino acid position is conserved. In addition, the in silico prediction for this alteration is inconclusive. Since supporting evidence is limited at this time, the clinical significance of this alteration remains unclear.